The following is an entry in ClinVar:

ClinVar aggregate classification (germline): Likely benign (1 of 4 stars; one submission).

Conditions:
PKD1-related disorder. Also called: PKD1-related condition.

gnomAD v4.1: 121 of 1,561,826 alleles (0.0077%); highest among the groups gnomAD compares: Non-Finnish European, 0.01%; no homozygotes.

Submission:

PreventionGenetics, part of Exact Sciences
Classification: Likely benign for PKD1-related condition. Last evaluated: 2026-01-27. Review status: criteria provided, single submitter. Criteria: ACMG Guidelines, 2015. Collection method: clinical testing. Allele origin: germline.
Comment: This variant is classified as likely benign based on ACMG/AMP sequence variant interpretation guidelines (Richards et al. 2015 PMID: 25741868, with internal and published modifications).

NM_001009944.3(PKD1):c.2382G>T (p.Gly794=)

Gene: PKD1 (polycystin 1, transient receptor potential channel interacting; minus strand). Cytogenetic location: 16p13.3.
Variant type: single nucleotide variant.
Coding change: c.2382G>T on transcript NM_001009944.3 (MANE Select); coding-DNA position 2382, G replaced by T.
Protein change: p.Gly794=; no amino-acid change (glycine 794 retained).
Molecular consequence: synonymous variant.
Genome position (GRCh38, 1-based): chr16:2,114,641, C>A on the plus strand (G>T on the coding strand, the complement: PKD1 is on the minus strand). VCF-style: chr16-2114641-C-A. GRCh37 (hg19) VCF-style: chr16-2164642-C-A.
Other names: c.2382G>T, p.Gly794= (NM_000296.4).
Identifiers: ClinVar variation 4989304 (VCV004989304.1).